The following is an entry in ClinVar:

ClinVar aggregate classification (germline): Uncertain significance (1 of 4 stars; one submission).

gnomAD v4.1: 4 of 1,613,490 alleles (0.00025%); highest among the groups gnomAD compares: African/African-American, 0.0053%; no homozygotes.

Submission:

Mayo Clinic Laboratories, Mayo Clinic
Classification: Uncertain significance. Last evaluated: 2024-02-19. Review status: criteria provided, single submitter. Criteria: ACMG Guidelines, 2015. Collection method: clinical testing. Allele origin: germline. Observed: 1 variant allele.
Comment: PP3, PM2

NM_002103.5(GYS1):c.866C>G (p.Ala289Gly)

Gene: GYS1 (glycogen synthase 1; minus strand). Cytogenetic location: 19q13.33.
Variant type: single nucleotide variant.
Coding change: c.866C>G on transcript NM_002103.5 (MANE Select); coding-DNA position 866, C replaced by G.
Protein change: p.Ala289Gly; replaces alanine 289 with glycine.
Molecular consequence: missense variant. On other transcripts: non-coding transcript variant (1).
Genome position (GRCh38, 1-based): chr19:48,982,795, G>C on the plus strand (C>G on the coding strand, the complement: GYS1 is on the minus strand). VCF-style: chr19-48982795-G-C. GRCh37 (hg19) VCF-style: chr19-49486052-G-C.
Other names: p.Ala289Gly; c.674C>G, p.Ala225Gly (NM_001161587.2); short protein forms A225G, A289G.
Identifiers: ClinVar variation 3380629 (VCV003380629.1).
Genomic context (GRCh38, chr19:48,982,795, plus strand): 5'-CGCACAAACTCCTGGATTCGAGCCTTGCTCTGAGCATGGAGGTTCTGGAACTCATGCATG[G>C]CAGAAAACTTCTTCACATTCAGCCCATTGGGGGTCACAATATCTGGGATTGGGGGTGAGG-3'
Protein context (NP_002094.2, residues 279-299): PNGLNVKKFS[Ala289Gly]MHEFQNLHAQ